The following is an entry in ClinVar:

ClinVar aggregate classification (germline): Likely benign (0 of 4 stars; one submission).

Conditions:
FAM47B-related disorder. Also called: FAM47B-related condition.

Allele frequency attached by ClinVar (database versions not stated): gnomAD exomes 0.00001; ExAC 0.00002; gnomAD 0.00004.
gnomAD v4.1: 16 of 1,208,696 alleles (0.0013%); highest among the groups gnomAD compares: Middle Eastern, 0.023%; no homozygotes.

Submission:

PreventionGenetics, part of Exact Sciences
Classification: Likely benign for FAM47B-related condition. Last evaluated: 2019-07-31. Review status: no assertion criteria provided. Collection method: clinical testing. Allele origin: germline.
Comment: This variant is classified as likely benign based on ACMG/AMP sequence variant interpretation guidelines (Richards et al. 2015 PMID: 25741868, with internal and published modifications).

NM_152631.3(FAM47B):c.39A>G (p.Gln13=)

Gene: FAM47B (family with sequence similarity 47 member B; plus strand). Cytogenetic location: Xp21.1.
Variant type: single nucleotide variant.
Coding change: c.39A>G on transcript NM_152631.3 (MANE Select); coding-DNA position 39, A replaced by G.
Protein change: p.Gln13=; no amino-acid change (glutamine 13 retained).
Molecular consequence: synonymous variant.
Genome position (GRCh38, 1-based): chrX:34,942,870, A>G. VCF-style: chrX-34942870-A-G. GRCh37 (hg19) VCF-style: chrX-34960987-A-G.
Identifiers: ClinVar variation 3035854 (VCV003035854.2), dbSNP rs769963911, ClinGen allele CA10380850.
Genomic context (GRCh38, chrX:34,942,870, plus strand): 5'-TGGCACAACAGAGAGGGCCACCATGGGGGACCGGAGGCCACAGGACCGGCCAAGGTCCCA[A>G]GGCATGGACTCCAAGCCCTGGTACTGTGACAAACCGCCTTCCAAGTACTTCGCGAAGCGC-3'
Protein context (NP_689844.2, residues 3-23): DRRPQDRPRS[Gln13=]GMDSKPWYCD